The following is an entry in ClinVar:

ClinVar aggregate classification (germline): Pathogenic/Likely pathogenic. Review status: criteria provided, multiple submitters, no conflicts (2 of 4 stars). 3 submissions from 3 submitters: Pathogenic (1); Likely pathogenic (1). 1 of the submissions does not count toward it. Last evaluated 2019-01-30.

Conditions:
Hereditary cancer-predisposing syndrome. Also called: Hereditary Cancer Syndrome; Hereditary neoplastic syndrome; Neoplastic Syndromes, Hereditary; Tumor predisposition. Identifiers: Orphanet 140162, MedGen C0027672, MeSH D009386, MONDO:0015356.
Hereditary breast ovarian cancer syndrome. Also called: BRCA1- and BRCA2-Associated Hereditary Breast and Ovarian Cancer; Hereditary breast and ovarian cancer syndrome; Hereditary breast and ovarian cancer syndrome (HBOC); Breast and ovarian cancer; Hereditary breast and/or ovarian cancer syndrome; Hereditary breast and ovarian cancer. Identifiers: Orphanet 145, MedGen C0677776, MeSH D061325, MONDO:0003582. Disease mechanism: loss of function.
Familial cancer of breast. Also called: hereditary breast carcinoma; BREAST CANCER, FAMILIAL; Hereditary breast cancer. Identifiers: Orphanet 227535, MedGen C0346153, MONDO:0016419, OMIM 114480. Disease mechanism: loss of function.

Submissions (4):

Labcorp Genetics (formerly Invitae), Labcorp
Classification: Pathogenic for Hereditary breast ovarian cancer syndrome. Last evaluated: 2019-01-30. Review status: criteria provided, single submitter. Criteria: Invitae Variant Classification Sherloc (09022015). Collection method: clinical testing. Allele origin: germline.
Comment: This sequence change affects an acceptor splice site in intron 16 of the BRCA1 gene. It is expected to disrupt RNA splicing and likely results in an absent or disrupted protein product. This variant is not present in population databases (ExAC no frequency). This variant has been observed in an individual affected with breast cancer (PMID: 16456781). This variant is also known as IVS17-1G>T in the literature. ClinVar contains an entry for this variant (Variation ID: 55378). Experimental studies have shown that this variant disrupts mRNA splicing and/or protein function (PMID: 30209399). Donor and acceptor splice site variants typically lead to a loss of protein function (PMID: 16199547), and loss-of-function variants in BRCA1 are known to be pathogenic (PMID: 20104584). For these reasons, this variant has been classified as Pathogenic.

Ambry Genetics
Classification: Likely pathogenic for Hereditary cancer-predisposing syndrome. Last evaluated: 2017-12-06. Review status: criteria provided, single submitter. Criteria: Ambry Variant Classification Scheme 2023. Collection method: clinical testing. Allele origin: germline.
Comment: The c.5075-1G>T intronic variant results from a G to T substitution one nucleotide upstream from coding exon 17 of the BRCA1 gene. This nucleotide position is highly conserved in available vertebrate species. Using the BDGP and ESEfinder splice site prediction tools, this alteration is predicted to abolish the native splice acceptor site; however, direct evidence is unavailable. Alterations that disrupt the canonical splice site are expected to cause aberrant splicing, resulting in an abnormal protein or a transcript that is subject to nonsense-mediated mRNA decay. As such, this alteration is classified as likely pathogenic.

Brotman Baty Institute, University of Washington
No classification provided (evidence only). Condition: Breast-ovarian cancer, familial 1. Review status: no classification provided. Collection method: in vitro. Allele origin: not applicable. Functional consequence: functionally_abnormal. Not counted in ClinVar's aggregate classification.
ClinVar note: "not provided" was previously submitted as the classification for the variant. However, the classification appeared to be based only on an observation of functional data so it was converted to no classification on 2025-07-30.

ClinVar Staff, National Center for Biotechnology Information (NCBI)
No classification provided. Condition: Familial cancer of breast. Review status: no classification provided. Collection method: literature only. Allele origin: germline. Affected: yes. Not counted in ClinVar's aggregate classification.

Literature cited by the submitters: PubMed 16456781 (cited by Labcorp Genetics (formerly Invitae), Labcorp); PubMed 30209399 (cited by Labcorp Genetics (formerly Invitae), Labcorp); PubMed 16199547 (cited by Labcorp Genetics (formerly Invitae), Labcorp); PubMed 20104584 (cited by Labcorp Genetics (formerly Invitae), Labcorp); PubMed 17851763 (cited by Ambry Genetics); PubMed 16324400 (cited by ClinVar Staff, National Center for Biotechnology Information (NCBI)).

NM_007294.4(BRCA1):c.5075-1G>T

Gene: BRCA1 (BRCA1 DNA repair associated; minus strand). Cytogenetic location: 17q21.31.
Variant type: single nucleotide variant.
Coding change: c.5075-1G>T on transcript NM_007294.4 (MANE Select); the canonical splice acceptor site of the intron before coding-DNA position 5075, G replaced by T.
Molecular consequence: splice acceptor variant. On other transcripts: intron variant (2).
Genome position (GRCh38, 1-based): chr17:43,063,952, C>A on the plus strand (G>T on the coding strand, the complement: BRCA1 is on the minus strand). VCF-style: chr17-43063952-C-A. GRCh37 (hg19) VCF-style: chr17-41215969-C-A.
Other names: c.4997-1G>T (NM_001407654.1, NM_001407653.1, NM_001407655.1); c.1424-1G>T (NM_001408509.1); c.1427-1G>T (NM_001408508.1); c.1553-1G>T (NM_001408491.1, NM_001408481.1, NM_001408490.1 and 5 more transcripts); c.4859-1G>T (NM_001407918.1, NM_001407915.1, NM_001407916.1 and 1 more transcripts); c.4862-1G>T (NM_001407894.1, NM_001407909.1, NM_001407906.1 and 12 more transcripts); c.4736-1G>T (NM_001407957.1, NM_001407958.1, NM_001407956.1); c.4739-1G>T (NM_001407953.1, NM_001407955.1, NM_001407951.1 and 3 more transcripts); and 73 more.
Identifiers: ClinVar variation 55378 (VCV000055378.14), dbSNP rs1800747, ClinGen allele CA003206.